The following is an entry in ClinVar:

NM_138814.4(PNPLA5):c.493-10C>T

Gene: PNPLA5 (patatin like domain 5, triacylglycerol lipase; minus strand). Cytogenetic location: 22q13.31.
Variant type: single nucleotide variant.
Coding change: c.493-10C>T on transcript NM_138814.4 (MANE Select); 10 bases into the intron before coding-DNA position 493, C replaced by T.
Molecular consequence: intron variant.
Genome position (GRCh38, 1-based): chr22:43,889,548, G>A on the plus strand (C>T on the coding strand, the complement: PNPLA5 is on the minus strand). VCF-style: chr22-43889548-G-A. GRCh37 (hg19) VCF-style: chr22-44285428-G-A.
Other names: c.194-53C>T (NM_001177675.2); c.116-53C>T (NM_001371410.1).
Identifiers: ClinVar variation 3056388 (VCV003056388.2), dbSNP rs62226145, ClinGen allele CA10277589.

ClinVar aggregate classification (germline): Benign (0 of 4 stars; one submission).

Conditions:
PNPLA5-related disorder. Also called: PNPLA5-related condition.

Allele frequency attached by ClinVar (database versions not stated): 1000 Genomes Project 0.06669; 1000 Genomes Project 30x 0.06886; TOPMed 0.09161; ExAC 0.09362; gnomAD 0.09423; ESP Exome Variant Server 0.09519; gnomAD exomes 0.09528.
gnomAD v4.1: 151,433 of 1,593,844 alleles (9.5%); highest among the groups gnomAD compares: Admixed American, 11%; 7,746 homozygotes.

Submission:

PreventionGenetics, part of Exact Sciences
Classification: Benign for PNPLA5-related condition. Last evaluated: 2019-12-09. Review status: no assertion criteria provided. Collection method: clinical testing. Allele origin: germline.
Comment: This variant is classified as benign based on ACMG/AMP sequence variant interpretation guidelines (Richards et al. 2015 PMID: 25741868, with internal and published modifications).